The following is an entry in ClinVar:

NM_001378964.1(CDON):c.3343C>T (p.Arg1115Ter)

Gene: CDON (cell adhesion associated, oncogene regulated; minus strand). Cytogenetic location: 11q24.2.
Variant type: single nucleotide variant.
Coding change: c.3343C>T on transcript NM_001378964.1 (MANE Select); coding-DNA position 3343, C replaced by T.
Protein change: p.Arg1115Ter; replaces arginine 1115 with a stop codon.
Molecular consequence: nonsense.
Genome position (GRCh38, 1-based): chr11:125,978,317, G>A on the plus strand (C>T on the coding strand, the complement: CDON is on the minus strand). VCF-style: chr11-125978317-G-A. GRCh37 (hg19) VCF-style: chr11-125848212-G-A.
Other names: c.3343C>T, p.Arg1115Ter (NM_001243597.3, NM_016952.6); short protein forms R1115*.
Identifiers: ClinVar variation 1690551 (VCV001690551.2), dbSNP rs747750419, ClinGen allele CA6351437.

ClinVar aggregate classification (germline): Uncertain significance (1 of 4 stars; one submission).

Allele frequency attached by ClinVar (database versions not stated): ExAC 0.00001; gnomAD 0.00001; gnomAD exomes 0.00001; TOPMed 0.00002.
gnomAD v4.1: 21 of 1,599,592 alleles (0.0013%); highest among the groups gnomAD compares: Middle Eastern, 0.016%; no homozygotes.

Submission:

Laboratorio de Genetica e Diagnostico Molecular, Hospital Israelita Albert Einstein
Classification: Uncertain significance. Last evaluated: 2021-02-19. Review status: criteria provided, single submitter. Criteria: ACMG Guidelines, 2015. Collection method: clinical testing. Allele origin: germline. Affected: yes.
Comment: ACMG classification criteria: PVS1, PM2